The following is an entry in ClinVar:

ClinVar aggregate classification (germline): Uncertain significance (1 of 4 stars; one submission).

Allele frequency attached by ClinVar (database versions not stated): TOPMed below 0.00001; gnomAD exomes 0.00002 and 0.00004; ExAC 0.00003.

Submission:

Labcorp Genetics (formerly Invitae), Labcorp
Classification: Uncertain significance. Last evaluated: 2022-08-31. Review status: criteria provided, single submitter. Criteria: Invitae Variant Classification Sherloc (09022015). Collection method: clinical testing. Allele origin: germline.
Comment: This sequence change replaces glycine, which is neutral and non-polar, with arginine, which is basic and polar, at codon 620 of the OCA2 protein (p.Gly620Arg). This variant is present in population databases (rs746102630, gnomAD 0.03%). This variant has not been reported in the literature in individuals affected with OCA2-related conditions. ClinVar contains an entry for this variant (Variation ID: 1439212). Advanced modeling of protein sequence and biophysical properties (such as structural, functional, and spatial information, amino acid conservation, physicochemical variation, residue mobility, and thermodynamic stability) performed at Invitae indicates that this missense variant is not expected to disrupt OCA2 protein function. In summary, the available evidence is currently insufficient to determine the role of this variant in disease. Therefore, it has been classified as a Variant of Uncertain Significance.

NM_000275.3(OCA2):c.1858G>A (p.Gly620Arg)

Gene: OCA2 (OCA2 melanosomal transmembrane protein; minus strand). Cytogenetic location: 15q13.1.
Variant type: single nucleotide variant.
Coding change: c.1858G>A on transcript NM_000275.3 (MANE Select); coding-DNA position 1858, G replaced by A.
Protein change: p.Gly620Arg; replaces glycine 620 with arginine.
Molecular consequence: missense variant.
Genome position (GRCh38, 1-based): chr15:27,951,877, C>T on the plus strand (G>A on the coding strand, the complement: OCA2 is on the minus strand). VCF-style: chr15-27951877-C-T. GRCh37 (hg19) VCF-style: chr15-28197023-C-T.
Other names: c.1786G>A, p.Gly596Arg (NM_001300984.2); short protein forms G596R, G620R.
Identifiers: ClinVar variation 1439212 (VCV001439212.3), dbSNP rs746102630, ClinGen allele CA7438866.